The following is an entry in ClinVar:

ClinVar aggregate classification (germline): Likely benign. Review status: criteria provided, multiple submitters, no conflicts (2 of 4 stars). 6 submissions from 6 submitters: Likely benign (6). Last evaluated 2026-06-01.

Conditions:
Agammaglobulinemia 2, autosomal recessive (AGM2). Also called: AGAMMAGLOBULINEMIA, AUTOSOMAL RECESSIVE, DUE TO IGLL1 DEFECT. Identifiers: MedGen C3150750, MONDO:0013287, OMIM 613500.

Allele frequency attached by ClinVar (database versions not stated): 1000 Genomes Project 30x 0.00016; 1000 Genomes Project 0.00020; ESP Exome Variant Server 0.00077; gnomAD 0.00081 and 0.00083; TOPMed 0.00092.
gnomAD v4.1: 1,926 of 1,613,564 alleles (0.12%); highest among the groups gnomAD compares: Non-Finnish European, 0.14%; 1 homozygote.

Submissions (6):

CeGaT Center for Human Genetics Tuebingen
Classification: Likely benign. Last evaluated: 2026-06-01. Review status: criteria provided, single submitter. Criteria: CeGaT Center For Human Genetics Tuebingen Variant Classification Criteria Version 2. Collection method: clinical testing. Allele origin: germline. Affected: yes. Observed: 2 variant alleles.
Comment: IGLL1: BP4

Women's Health and Genetics/Laboratory Corporation of America, LabCorp
Classification: Likely benign. Last evaluated: 2026-04-06. Review status: criteria provided, single submitter. Criteria: LabCorp Variant Classification Summary - May 2015. Collection method: clinical testing. Allele origin: germline.

Labcorp Genetics (formerly Invitae), Labcorp
Classification: Likely benign for Agammaglobulinemia 2, autosomal recessive. Last evaluated: 2026-02-01. Review status: criteria provided, single submitter. Criteria: Invitae Variant Classification Sherloc (09022015). Collection method: clinical testing. Allele origin: germline.

ARUP Laboratories, Molecular Genetics and Genomics, ARUP Laboratories
Classification: Likely benign for Agammaglobulinemia 2, autosomal recessive. Last evaluated: 2024-12-19. Review status: criteria provided, single submitter. Criteria: ARUP Molecular Germline Variant Investigation Process 2024. Collection method: clinical testing. Allele origin: germline.

Blueprint Genetics
Classification: Likely benign. Last evaluated: 2024-11-23. Review status: criteria provided, single submitter. Criteria: ACMG Guidelines, 2015. Collection method: clinical testing. Allele origin: germline.

Ambry Genetics
Classification: Likely benign. Last evaluated: 2023-06-23. Review status: criteria provided, single submitter. Criteria: Ambry Variant Classification Scheme 2023. Collection method: clinical testing. Allele origin: germline.

NM_020070.4(IGLL1):c.342C>G (p.Pro114=)

Gene: IGLL1 (immunoglobulin lambda like polypeptide 1; minus strand). Cytogenetic location: 22q11.23.
Variant type: single nucleotide variant.
Coding change: c.342C>G on transcript NM_020070.4 (MANE Select); coding-DNA position 342, C replaced by G.
Protein change: p.Pro114=; no amino-acid change (proline 114 retained).
Molecular consequence: synonymous variant. On other transcripts: missense variant (1).
Genome position (GRCh38, 1-based): chr22:23,573,566, G>C on the plus strand (C>G on the coding strand, the complement: IGLL1 is on the minus strand). VCF-style: chr22-23573566-G-C. GRCh37 (hg19) VCF-style: chr22-23915753-G-C.
Other names: c.345C>G, p.Pro115= (NM_001369906.1); c.226C>G, p.Leu76Val (NM_152855.3); c.342C>G (NM_020070.2); short protein forms L76V.
Identifiers: ClinVar variation 789401 (VCV000789401.19), dbSNP rs146831457, ClinGen allele CA10143302.